The following is an entry in ClinVar:

NM_001560.3(IL13RA1):c.892A>G (p.Met298Val)

Gene: IL13RA1 (interleukin 13 receptor subunit alpha 1; plus strand). Cytogenetic location: Xq24.
Variant type: single nucleotide variant.
Coding change: c.892A>G on transcript NM_001560.3 (MANE Select); coding-DNA position 892, A replaced by G.
Protein change: p.Met298Val; replaces methionine 298 with valine.
Molecular consequence: missense variant.
Genome position (GRCh38, 1-based): chrX:118,766,859, A>G. VCF-style: chrX-118766859-A-G. GRCh37 (hg19) VCF-style: chrX-117900822-A-G.
Other names: c.892A>G (NM_001560.2); short protein forms M298V.
Identifiers: ClinVar variation 2661273 (VCV002661273.25), dbSNP rs193100167, ClinGen allele CA10500033.
Genomic context (GRCh38, chrX:118,766,859, plus strand): 5'-AATAAACTGGTAATATTCCTTGTGTATTTTTATTTTATGCCTAAGAATACATCTTGTTTC[A>G]TGGTCCCTGGTGTTCTTCCTGATACTTTGAACACAGTCAGAATAAGAGTCAAAACAAATA-3'
Protein context (NP_001551.1, residues 288-308): ERNVENTSCF[Met298Val]VPGVLPDTLN

ClinVar aggregate classification (germline): Conflicting classifications of pathogenicity. Review status: criteria provided, conflicting classifications (1 of 4 stars). 2 submissions from 2 submitters: Uncertain significance (1); Likely benign (1). Last evaluated 2025-08-24.

Allele frequency attached by ClinVar (database versions not stated): gnomAD 0.00002; gnomAD exomes 0.00002; TOPMed 0.00003; ExAC 0.00004; ESP Exome Variant Server 0.00009; 1000 Genomes Project 0.00026.
gnomAD v4.1: 21 of 1,053,052 alleles (0.002%); highest among the groups gnomAD compares: African/African-American, 0.0056%; no homozygotes.

Submissions (2):

Ambry Genetics
Classification: Uncertain significance. Last evaluated: 2025-08-24. Review status: criteria provided, single submitter. Criteria: Ambry Variant Classification Scheme 2023. Collection method: clinical testing. Allele origin: germline.

CeGaT Center for Human Genetics Tuebingen
Classification: Likely benign. Last evaluated: 2022-12-01. Review status: criteria provided, single submitter. Criteria: CeGaT Center For Human Genetics Tuebingen Variant Classification Criteria Version 2. Collection method: clinical testing. Allele origin: germline. Affected: yes. Observed: 1 variant allele.
Comment: IL13RA1: BP4, BS2